The following is an entry in ClinVar:

NC_000008.10:g.(?_87644960)_(87755855_?)dup

Gene: CNGB3 (cyclic nucleotide gated channel subunit beta 3; minus strand). Cytogenetic location: 8q21.3.
Variant type: Duplication.
Identifiers: ClinVar variation 1450689 (VCV001450689.4).

ClinVar aggregate classification (germline): Uncertain significance (1 of 4 stars; one submission).

Submission:

Labcorp Genetics (formerly Invitae), Labcorp
Classification: Uncertain significance. Last evaluated: 2021-09-21. Review status: criteria provided, single submitter. Criteria: Invitae Variant Classification Sherloc (09022015). Collection method: clinical testing. Allele origin: germline.
Comment: This variant has not been reported in the literature in individuals affected with CNGB3-related conditions. In summary, the available evidence is currently insufficient to determine the role of this variant in disease. Therefore, it has been classified as a Variant of Uncertain Significance. This variant results in a copy number gain of the genomic region encompassing exon(s) 1-11 of the CNGB3 gene. This region includes the initiator codon of the gene. This copy number gain extends beyond the assayed region for this gene and therefore may encompass additional genes. As the precise location of this event is unknown, it may be in tandem or it may be located elsewhere in the genome.